The following is an entry in ClinVar:

ClinVar aggregate classification (germline): Uncertain significance. Review status: criteria provided, multiple submitters, no conflicts (2 of 4 stars). 5 submissions from 5 submitters: Uncertain significance (5). Last evaluated 2026-01-06.

Conditions:
Hereditary cancer-predisposing syndrome. Also called: Neoplastic Syndromes, Hereditary; Hereditary neoplastic syndrome; Tumor predisposition; Hereditary Cancer Syndrome. Identifiers: Orphanet 140162, MedGen C0027672, MeSH D009386, MONDO:0015356.
POLD1-related polyposis and colorectal cancer syndrome (CRCS10). Also called: Colorectal cancer 10; COLORECTAL CANCER, SUSCEPTIBILITY TO, ON CHROMOSOME 19q; Colorectal cancer, susceptibility to, 10. Identifiers: Orphanet 220460, MedGen C2675481, MONDO:0012953, OMIM 612591.

Allele frequency attached by ClinVar (database versions not stated): ExAC 0.00001; gnomAD 0.00001; gnomAD exomes 0.00001; TOPMed 0.00002.
gnomAD v4.1: 10 of 1,614,010 alleles (0.00062%); highest among the groups gnomAD compares: Admixed American, 0.0017%; no homozygotes.

Submissions (5):

Labcorp Genetics (formerly Invitae), Labcorp
Classification: Uncertain significance for POLD1-related polyposis and colorectal cancer syndrome. Last evaluated: 2026-01-06. Review status: criteria provided, single submitter. Criteria: Invitae Variant Classification Sherloc (09022015). Collection method: clinical testing. Allele origin: germline.
Comment: This sequence change replaces arginine, which is basic and polar, with glutamine, which is neutral and polar, at codon 81 of the POLD1 protein (p.Arg81Gln). This variant is present in population databases (rs755461109, gnomAD 0.007%). This missense change has been observed in individual(s) with clinical features of POLD1-related conditions (PMID: 33850299). ClinVar contains an entry for this variant (Variation ID: 469259). Invitae Evidence Modeling of protein sequence and biophysical properties (such as structural, functional, and spatial information, amino acid conservation, physicochemical variation, residue mobility, and thermodynamic stability) indicates that this missense variant is expected to disrupt POLD1 protein function with a positive predictive value of 80%. In summary, the available evidence is currently insufficient to determine the role of this variant in disease. Therefore, it has been classified as a Variant of Uncertain Significance.

Ambry Genetics
Classification: Uncertain significance for Hereditary cancer-predisposing syndrome. Last evaluated: 2025-08-26. Review status: criteria provided, single submitter. Criteria: Ambry Variant Classification Scheme 2023. Collection method: clinical testing. Allele origin: germline.
Comment: The p.R81Q variant (also known as c.242G>A), located in coding exon 2 of the POLD1 gene, results from a G to A substitution at nucleotide position 242. The arginine at codon 81 is replaced by glutamine, an amino acid with highly similar properties. This amino acid position is conserved. In addition, this alteration is predicted to be tolerated by in silico analysis. Based on the available evidence, the clinical significance of this variant remains unclear.

Center for Genomic Medicine, Rigshospitalet, Copenhagen University Hospital
Classification: Uncertain significance. Last evaluated: 2025-03-04. Review status: criteria provided, single submitter. Criteria: ACMG Guidelines, 2015. Collection method: clinical testing. Allele origin: germline.

Clinical Genetics Laboratory, Skane University Hospital Lund
Classification: Uncertain significance. Last evaluated: 2024-01-23. Review status: criteria provided, single submitter. Criteria: ACMG Guidelines, 2015. Collection method: clinical testing. Allele origin: germline. Affected: yes.

GeneDx
Classification: Uncertain significance. Last evaluated: 2021-10-11. Review status: criteria provided, single submitter. Criteria: GeneDx Variant Classification Process June 2021. Collection method: clinical testing. Allele origin: germline. Affected: yes.
Comment: Not observed at a significant frequency in large population cohorts (Lek et al., 2016); In silico analysis supports that this missense variant has a deleterious effect on protein structure/function; In silico analysis suggests this variant may impact gene splicing. In the absence of RNA/functional studies, the actual effect of this sequence change is unknown.; Has not been previously published as germline pathogenic or benign to our knowledge; This variant is associated with the following publications: (PMID: 29056344)

Literature cited by the submitters: PubMed 33850299 (cited by Labcorp Genetics (formerly Invitae), Labcorp).

NM_002691.4(POLD1):c.242G>A (p.Arg81Gln)

Gene: POLD1 (DNA polymerase delta 1, catalytic subunit; plus strand). Cytogenetic location: 19q13.33.
Variant type: single nucleotide variant.
Coding change: c.242G>A on transcript NM_002691.4 (MANE Select); coding-DNA position 242, G replaced by A.
Protein change: p.Arg81Gln; replaces arginine 81 with glutamine.
Molecular consequence: missense variant. On other transcripts: non-coding transcript variant (1).
Genome position (GRCh38, 1-based): chr19:50,399,410, G>A. VCF-style: chr19-50399410-G-A. GRCh37 (hg19) VCF-style: chr19-50902667-G-A.
Other names: c.242G>A, p.Arg81Gln (NM_001256849.1, NM_001308632.1); short protein forms R81Q.
Identifiers: ClinVar variation 469259 (VCV000469259.20), dbSNP rs755461109, ClinGen allele CA9595661.
Genomic context (GRCh38, chr19:50,399,410, plus strand): 5'-TTCCTTCCCTTCCCCCACCAGGGCAGGTCCCACCATCAGCCATAGATCCTCGCTGGCTTC[G>A]GCCCACACCACCAGCGCTGGACCCCCAGACAGAGCCCCTCATCTTCCAACAGTTGGAGAT-3'
Protein context (NP_002682.2, residues 71-91): PPSAIDPRWL[Arg81Gln]PTPPALDPQT